The following is an entry in ClinVar:

ClinVar aggregate classification (germline): Pathogenic. Review status: criteria provided, multiple submitters, no conflicts (2 of 4 stars). 2 submissions from 2 submitters: Pathogenic (2). Last evaluated 2026-06-04.

Conditions:
Peroxisome biogenesis disorder 14B (PEX14B). Identifiers: Orphanet 44, MedGen C3554055, MONDO:0013967, OMIM 614920.

Allele frequency attached by ClinVar (database versions not stated): gnomAD exomes 0.00001 and below 0.00001; gnomAD 0.00001; TOPMed 0.00002.
gnomAD v4.1: 16 of 1,613,552 alleles (0.00099%); highest among the groups gnomAD compares: East Asian, 0.0022%; no homozygotes.

Submissions (2):

Victorian Clinical Genetics Services, Murdoch Childrens Research Institute
Classification: Pathogenic for Peroxisome biogenesis disorder 14B. Last evaluated: 2026-06-04. Review status: criteria provided, single submitter. Criteria: ACMG Guidelines, 2015. Collection method: clinical testing. Allele origin: germline. Affected: yes.
Comment: This variant is classified as Pathogenic. Evidence in support of pathogenic classification: Variant is predicted to result in a truncated protein (premature termination codon is NOT located at least 54 nucleotides upstream of the final exon-exon junction) with less than 1/3 of the protein sequence affected; Variant is present in gnomAD <0.01 for a recessive condition (v4: 16 heterozygote(s), 0 homozygote(s)). - This variant has moderate previous evidence of pathogenicity in unrelated individuals. This variant has been classified as pathogenic by a clinical laboratory in ClinVar. It has also been reported in the literature in two compound heterozygous siblings, and observed in two homozygous siblings with peroxisome biogenesis disorder (PMID: 28129423, VCGS cohort); Variant results in the loss of the C-terminal of the well-established (essential) PEX11 domain. Functional studies show the C-terminal is important for interactions with PEX19 (PMID: 10704444) and removing this region (p.230-255) resulted in impaired PEX11y and Fis1 binding (PMID: 20826455). Additional information: This variant is homozygous; This gene is associated with autosomal recessive disease; No published functional evidence has been identified for this variant; Other downstream truncating variant(s) comparable to the one identified in this case have conflicting previous evidence for pathogenicity. p.(Val211Argfs*8) has been reported in the literature in two homozygous siblings with developmental delay, cataract and deafness (PMID: 34234304) whilst p.(Arg256*) has been classified as pathogenic and as VUS by clinical laboratories in Clinvar; Loss of function is a known mechanism of disease in this gene and is associated with peroxisome biogenesis disorder 14B (MIM#614920).

Undiagnosed Diseases Network, NIH
Classification: Pathogenic for Peroxisome biogenesis disorder 14B. Last evaluated: 2016-06-26. Review status: criteria provided, single submitter. Criteria: ACMG Guidelines, 2015. Collection method: clinical testing. Allele origin: maternal. Affected: yes. Observed: 1 compound heterozygote.

Literature cited by the submitters: PubMed 28129423 (cited by Victorian Clinical Genetics Services, Murdoch Childrens Research Institute); PubMed 10704444 (cited by Victorian Clinical Genetics Services, Murdoch Childrens Research Institute); PubMed 20826455 (cited by Victorian Clinical Genetics Services, Murdoch Childrens Research Institute); PubMed 34234304 (cited by Victorian Clinical Genetics Services, Murdoch Childrens Research Institute).

NM_003846.3(PEX11B):c.595C>T (p.Arg199Ter)

Gene: PEX11B (peroxisomal biogenesis factor 11 beta; minus strand). Cytogenetic location: 1q21.1.
Variant type: single nucleotide variant.
Coding change: c.595C>T on transcript NM_003846.3 (MANE Select); coding-DNA position 595, C replaced by T.
Protein change: p.Arg199Ter; replaces arginine 199 with a stop codon.
Molecular consequence: nonsense. On other transcripts: non-coding transcript variant (3).
Genome position (GRCh38, 1-based): chr1:145,912,346, G>A on the plus strand (C>T on the coding strand, the complement: PEX11B is on the minus strand). VCF-style: chr1-145912346-G-A. GRCh37 (hg19) VCF-style: chr1-145522734-C-T.
Other names: c.553C>T, p.Arg185Ter (NM_001184795.1); short protein forms R199*, R185*.
Identifiers: ClinVar variation 453307 (VCV000453307.5), dbSNP rs781984979, ClinGen allele CA342120925.